The following is an entry in ClinVar:

ClinVar aggregate classification (germline): Pathogenic. Review status: criteria provided, multiple submitters, no conflicts (2 of 4 stars). 6 submissions from 6 submitters: Pathogenic (6). Last evaluated 2023-10-20.

Conditions:
Intellectual disability, X-linked 102 (MRXSSB). Also called: Intellectual developmental disorder, X-linked syndromic, Snijders Blok type. Identifiers: Orphanet 457260, MedGen C5393299, MONDO:0010497, OMIM 300958.
Intellectual disability. Also called: Intellectual developmental disorder; intellectual disabilities; Intellectual functioning disability. Identifiers: MedGen C3714756, MeSH D008607, MONDO:0001071, HP:0001249.

Submissions (6):

3billion
Classification: Pathogenic for Intellectual disability, X-linked 102. Last evaluated: 2023-10-20. Review status: criteria provided, single submitter. Criteria: ACMG Guidelines, 2015. Collection method: clinical testing. Allele origin: germline. Affected: yes.
Comment: The variant is not observed in the gnomAD v2.1.1 dataset. Predicted Consequence/Location: Stop-gained (nonsense): predicted to result in a loss or disruption of normal protein function through nonsense-mediated decay (NMD) or protein truncation. Multiple pathogenic variants are reported downstream of the variant. The variant has been previously reported as de novo in a similarly affected individual (PMID: 26235985). The variant has been reported at least twice as pathogenic with clinical assertions and evidence for the classification (ClinVar ID: VCV000981252 /PMID: 26235985). Therefore, this variant is classified as Pathogenic according to the recommendation of ACMG/AMP guideline.

GeneDx
Classification: Pathogenic. Last evaluated: 2022-11-01. Review status: criteria provided, single submitter. Criteria: GeneDx Variant Classification Process June 2021. Collection method: clinical testing. Allele origin: germline. Affected: yes.
Comment: Nonsense variant predicted to result in protein truncation or nonsense mediated decay in a gene for which loss of function is a known mechanism of disease; Not observed at significant frequency in large population cohorts (gnomAD); This variant is associated with the following publications: (PMID: 26235985, 34008892, 33504798, 31785789)

Laboratory of Medical Genetics, National & Kapodistrian University of Athens
Classification: Pathogenic for Intellectual disability, X-linked 102. Last evaluated: 2021-10-01. Review status: criteria provided, single submitter. Criteria: ACMG Guidelines, 2015. Collection method: clinical testing. Allele origin: unknown. Affected: yes.
Comment: PVS1, PM1, PM2, PP3

Diagnostic Laboratory, Strasbourg University Hospital
Classification: Pathogenic for Intellectual disability. Last evaluated: 2020-09-10. Review status: criteria provided, single submitter. Criteria: ACMG Guidelines, 2015. Collection method: clinical testing. Allele origin: de novo. Affected: yes. Observed: 1 heterozygote.

CeGaT Center for Human Genetics Tuebingen
Classification: Pathogenic. Last evaluated: 2020-07-01. Review status: criteria provided, single submitter. Criteria: CeGaT Center For Human Genetics Tuebingen Variant Classification Criteria Version 2. Collection method: clinical testing. Allele origin: germline. Affected: yes. Observed: 1 variant allele.

Baylor Genetics
Classification: Pathogenic for Intellectual disability, X-linked 102. Last evaluated: 2019-07-09. Review status: criteria provided, single submitter. Criteria: ACMG Guidelines, 2015. Collection method: clinical testing. Allele origin: de novo. Affected: yes.
Comment: This variant was determined to be pathogenic according to ACMG Guidelines, 2015 [PMID:25741868]. This variant has been previously reported as disease-causing [PMID 26235985]

Literature cited by the submitters: PubMed 26235985 (cited by 3billion and Baylor Genetics); PubMed 34008892 (cited by Laboratory of Medical Genetics, National & Kapodistrian University of Athens).

NM_001356.5(DDX3X):c.931C>T (p.Arg311Ter)

Gene: DDX3X (DEAD-box helicase 3 X-linked; plus strand). Cytogenetic location: Xp11.4.
Variant type: single nucleotide variant.
Coding change: c.931C>T on transcript NM_001356.5 (MANE Select); coding-DNA position 931, C replaced by T.
Protein change: p.Arg311Ter; replaces arginine 311 with a stop codon.
Molecular consequence: nonsense. On other transcripts: non-coding transcript variant (1).
Genome position (GRCh38, 1-based): chrX:41,344,305, C>T. VCF-style: chrX-41344305-C-T. GRCh37 (hg19) VCF-style: chrX-41203558-C-T.
Other names: c.931C>T, p.Arg311Ter (NM_001193416.3); c.883C>T, p.Arg295Ter (NM_001193417.3); c.373C>T, p.Arg125Ter (NM_001363819.1); short protein forms R125*, R295*, R311*.
Identifiers: ClinVar variation 981252 (VCV000981252.43), dbSNP rs1453153749, ClinGen allele CA412770945.